The following is an entry in ClinVar:

ClinVar aggregate classification (germline): Uncertain significance. Review status: criteria provided, multiple submitters, no conflicts (2 of 4 stars). 2 submissions from 2 submitters: Uncertain significance (2). Last evaluated 2023-08-10.

Conditions:
Inborn genetic diseases. Identifiers: MedGen C0950123, MeSH D030342.

Allele frequency attached by ClinVar (database versions not stated): gnomAD exomes below 0.00001 and 0.00001; TOPMed below 0.00001; gnomAD 0.00001.

Submissions (2):

Ambry Genetics
Classification: Uncertain significance for Inborn genetic diseases. Last evaluated: 2023-08-10. Review status: criteria provided, single submitter. Criteria: Ambry Variant Classification Scheme 2023. Collection method: clinical testing. Allele origin: germline.

GeneDx
Classification: Uncertain significance. Last evaluated: 2020-01-30. Review status: criteria provided, single submitter. Criteria: GeneDx Variant Classification Process June 2021. Collection method: clinical testing. Allele origin: germline. Affected: yes.
Comment: Not observed at a significant frequency in large population cohorts (Lek et al., 2016); In silico analysis, which includes protein predictors and evolutionary conservation, supports a deleterious effect; Has not been previously published as pathogenic or benign to our knowledge

NM_002739.5(PRKCG):c.1201C>T (p.Arg401Cys)

Gene: PRKCG (protein kinase C gamma; plus strand). Cytogenetic location: 19q13.42.
Variant type: single nucleotide variant.
Coding change: c.1201C>T on transcript NM_002739.5 (MANE Select); coding-DNA position 1201, C replaced by T.
Protein change: p.Arg401Cys; replaces arginine 401 with cysteine.
Molecular consequence: missense variant.
Genome position (GRCh38, 1-based): chr19:53,898,548, C>T. VCF-style: chr19-53898548-C-T. GRCh37 (hg19) VCF-style: chr19-54401802-C-T.
Other names: c.1201C>T, p.Arg401Cys (NM_001316329.2); short protein forms R401C.
Identifiers: ClinVar variation 1315051 (VCV001315051.4), dbSNP rs1367827846, ClinGen allele CA407418043.